The following is an entry in ClinVar:

ClinVar aggregate classification (germline): Uncertain significance (1 of 4 stars; one submission).

Conditions:
Baller-Gerold syndrome (BGS). Also called: CRANIOSYNOSTOSIS WITH RADIAL DEFECTS. Identifiers: Orphanet 1225, MedGen C0265308, MONDO:0009039, OMIM 218600.

Submission:

Labcorp Genetics (formerly Invitae), Labcorp
Classification: Uncertain significance for Baller-Gerold syndrome. Last evaluated: 2025-06-11. Review status: criteria provided, single submitter. Criteria: Invitae Variant Classification Sherloc (09022015). Collection method: clinical testing. Allele origin: germline.
Comment: This sequence change replaces proline, which is neutral and non-polar, with threonine, which is neutral and polar, at codon 452 of the RECQL4 protein (p.Pro452Thr). This variant is not present in population databases (gnomAD no frequency). This variant has not been reported in the literature in individuals affected with RECQL4-related conditions. ClinVar contains an entry for this variant (Variation ID: 1426018). Invitae Evidence Modeling of protein sequence and biophysical properties (such as structural, functional, and spatial information, amino acid conservation, physicochemical variation, residue mobility, and thermodynamic stability) indicates that this missense variant is expected to disrupt RECQL4 protein function with a positive predictive value of 80%. In summary, the available evidence is currently insufficient to determine the role of this variant in disease. Therefore, it has been classified as a Variant of Uncertain Significance.

NM_004260.4(RECQL4):c.1354C>A (p.Pro452Thr)

Gene: RECQL4 (RecQ like helicase 4; minus strand). Cytogenetic location: 8q24.3.
Variant type: single nucleotide variant.
Coding change: c.1354C>A on transcript NM_004260.4 (MANE Select); coding-DNA position 1354, C replaced by A.
Protein change: p.Pro452Thr; replaces proline 452 with threonine.
Molecular consequence: missense variant.
Genome position (GRCh38, 1-based): chr8:144,515,362, G>T on the plus strand (C>A on the coding strand, the complement: RECQL4 is on the minus strand). VCF-style: chr8-144515362-G-T. GRCh37 (hg19) VCF-style: chr8-145740746-G-T.
Other names: short protein forms P452T.
Identifiers: ClinVar variation 1426018 (VCV001426018.6), dbSNP rs1198908673, ClinGen allele CA372685471.